The following is an entry in ClinVar:

NM_000545.8(HNF1A):c.391C>G (p.Arg131Gly)

Gene: HNF1A (HNF1 homeobox A; plus strand). Cytogenetic location: 12q24.31.
Variant type: single nucleotide variant.
Coding change: c.391C>G on transcript NM_000545.8 (MANE Select); coding-DNA position 391, C replaced by G.
Protein change: p.Arg131Gly; replaces arginine 131 with glycine.
Molecular consequence: missense variant.
Genome position (GRCh38, 1-based): chr12:120,988,897, C>G. VCF-style: chr12-120988897-C-G. GRCh37 (hg19) VCF-style: chr12-121426700-C-G.
Other names: c.391C>G, p.Arg131Gly (NM_001306179.2, NM_001406915.1); short protein forms R131G.
Identifiers: ClinVar variation 3907084 (VCV003907084.1).

ClinVar aggregate classification (germline): Likely pathogenic (1 of 4 stars; one submission).

Conditions:
Maturity-onset diabetes of the young (MODY). Also called: Maturity onset diabetes mellitus in young. Identifiers: Orphanet 552, MedGen C0342276, MONDO:0018911, HP:0004904.

Submission:

Women's Health and Genetics/Laboratory Corporation of America, LabCorp
Classification: Likely pathogenic for Maturity-onset diabetes of the young. Last evaluated: 2025-06-16. Review status: criteria provided, single submitter. Criteria: LabCorp Variant Classification Summary - May 2015. Collection method: clinical testing. Allele origin: germline.
Comment: Variant summary: HNF1A c.391C>G (p.Arg131Gly) results in a non-conservative amino acid change in the encoded protein sequence. Algorithms developed to predict the effect of missense changes on protein structure and function all suggest that this variant is likely to be disruptive. The variant was absent in 251390 control chromosomes. c.391C>G has been observed in at-least one individual affected with Maturity Onset Diabetes Of The Young 3 (Dusatkova_2022). Two different variants affecting the same codon have been classified as pathogenic by our lab (p.Arg131Trp, p.Arg131Gln), supporting the critical relevance of codon 131 to HNF1A protein function. To our knowledge, no experimental evidence demonstrating an impact on protein function has been reported. The following publication has been ascertained in the context of this evaluation (PMID: 35737141). No submitters have cited clinical-significance assessments for this variant to ClinVar. Based on the evidence outlined above, the variant was classified as likely pathogenic.

Literature cited by the submitters: PubMed 35737141.